The following is an entry in ClinVar:

NM_139276.3(STAT3):c.1042A>G (p.Lys348Glu)

Gene: STAT3 (signal transducer and activator of transcription 3; minus strand). Cytogenetic location: 17q21.2.
Variant type: single nucleotide variant.
Coding change: c.1042A>G on transcript NM_139276.3 (MANE Select); coding-DNA position 1042, A replaced by G.
Protein change: p.Lys348Glu; replaces lysine 348 with glutamic acid.
Molecular consequence: missense variant.
Genome position (GRCh38, 1-based): chr17:42,333,680, T>C on the plus strand (A>G on the coding strand, the complement: STAT3 is on the minus strand). VCF-style: chr17-42333680-T-C. GRCh37 (hg19) VCF-style: chr17-40485698-T-C.
Other names: c.1042A>G, p.Lys348Glu (NM_001369512.1, NM_001369513.1, NM_001369514.1 and 15 more transcripts); c.964A>G, p.Lys322Glu (NM_001384985.1); c.946A>G, p.Lys316Glu (NM_001384989.1); short protein forms K316E, K322E, K348E.
Identifiers: ClinVar variation 3749647 (VCV003749647.3).

ClinVar aggregate classification (germline): Uncertain significance. Review status: criteria provided, single submitter (1 of 4 stars). 2 submissions from 2 submitters: Uncertain significance (1). 1 of the submissions does not count toward it. Last evaluated 2024-11-19.

Conditions:
STAT3-related early-onset multisystem autoimmune disease. Also called: Autoimmune disease, multisystem, infantile-onset, 1. Identifiers: Orphanet 438159, MedGen C4014795, MONDO:0014414, OMIM 615952.
Hyper-IgE recurrent infection syndrome 1, autosomal dominant. Also called: STAT3 Hyper IgE Syndrome; Hyper-IgE recurrent infection syndrome 1; JOB SYNDROME; Job's Syndrome; HYPER-IgE SYNDROME 1, AUTOSOMAL DOMINANT, WITH RECURRENT INFECTIONS. Identifiers: Orphanet 2314, MedGen C2936739, MONDO:0007818, OMIM 147060.
STAT3 gain of function. Identifiers: MedGen C4288261.

Submissions (2):

Labcorp Genetics (formerly Invitae), Labcorp
Classification: Uncertain significance for STAT3 gain of function; Hyper-IgE recurrent infection syndrome 1, autosomal dominant. Last evaluated: 2024-11-19. Review status: criteria provided, single submitter. Criteria: Invitae Variant Classification Sherloc (09022015). Collection method: clinical testing. Allele origin: germline.
Comment: This sequence change replaces lysine, which is basic and polar, with glutamic acid, which is acidic and polar, at codon 348 of the STAT3 protein (p.Lys348Glu). This variant is not present in population databases (gnomAD no frequency). This missense change has been observed in individual(s) with STAT2-related conditions (internal data). Invitae Evidence Modeling of protein sequence and biophysical properties (such as structural, functional, and spatial information, amino acid conservation, physicochemical variation, residue mobility, and thermodynamic stability) indicates that this missense variant is expected to disrupt STAT3 protein function with a positive predictive value of 80%. In summary, the available evidence is currently insufficient to determine the role of this variant in disease. Therefore, it has been classified as a Variant of Uncertain Significance.

Laboratory of Research in Genomics, Genetics and Bioinformatics, Hospital Infantil de Mexico Federico Gomez
Classification: Likely pathogenic for STAT3-related early-onset multisystem autoimmune disease. Last evaluated: 2025-04-08. Review status: no assertion criteria provided. Collection method: research. Allele origin: germline. Affected: yes. Not counted in ClinVar's aggregate classification.